The following is an entry in ClinVar:

ClinVar aggregate classification (germline): Uncertain significance. Review status: criteria provided, multiple submitters, no conflicts (2 of 4 stars). 7 submissions from 7 submitters: Uncertain significance (7). Last evaluated 2025-11-30.

Conditions:
Hereditary cancer-predisposing syndrome. Also called: Hereditary neoplastic syndrome; Hereditary Cancer Syndrome; Neoplastic Syndromes, Hereditary; Tumor predisposition. Identifiers: Orphanet 140162, MedGen C0027672, MeSH D009386, MONDO:0015356.
Breast-ovarian cancer, familial, susceptibility to, 2 (BROVCA2). Also called: BRCA2 Hereditary Breast and Ovarian Cancer. Identifiers: Orphanet 145, MedGen C2675520, MONDO:0012933, OMIM 612555. Disease mechanism: loss of function.
Hereditary breast ovarian cancer syndrome. Also called: Hereditary breast and ovarian cancer syndrome; BRCA1- and BRCA2-Associated Hereditary Breast and Ovarian Cancer; Hereditary breast and/or ovarian cancer syndrome; Hereditary breast and ovarian cancer; Breast and ovarian cancer; Hereditary breast and ovarian cancer syndrome (HBOC). Identifiers: Orphanet 145, MedGen C0677776, MeSH D061325, MONDO:0003582. Disease mechanism: loss of function.

Allele frequency attached by ClinVar (database versions not stated): gnomAD exomes below 0.00001; ExAC 0.00001; gnomAD 0.00001; TOPMed 0.00002.
gnomAD v4.1: 3 of 1,613,144 alleles (0.00019%); highest among the groups gnomAD compares: African/African-American, 0.004%; no homozygotes.

Submissions (7):

Labcorp Genetics (formerly Invitae), Labcorp
Classification: Uncertain significance for Hereditary breast ovarian cancer syndrome. Last evaluated: 2025-11-30. Review status: criteria provided, single submitter. Criteria: Invitae Variant Classification Sherloc (09022015). Collection method: clinical testing. Allele origin: germline.
Comment: This sequence change replaces asparagine, which is neutral and polar, with histidine, which is basic and polar, at codon 2348 of the BRCA2 protein (p.Asn2348His). This variant is present in population databases (rs55742659, gnomAD 0.007%). This variant has not been reported in the literature in individuals affected with BRCA2-related conditions. ClinVar contains an entry for this variant (Variation ID: 422755). Invitae Evidence Modeling of protein sequence and biophysical properties (such as structural, functional, and spatial information, amino acid conservation, physicochemical variation, residue mobility, and thermodynamic stability) indicates that this missense variant is not expected to disrupt BRCA2 protein function with a negative predictive value of 95%. Experimental studies have shown that this missense change does not substantially affect BRCA2 function (PMID: 37922907). In summary, the available evidence is currently insufficient to determine the role of this variant in disease. Therefore, it has been classified as a Variant of Uncertain Significance.

Ambry Genetics
Classification: Uncertain significance for Hereditary cancer-predisposing syndrome. Last evaluated: 2025-03-18. Review status: criteria provided, single submitter. Criteria: Ambry Variant Classification Scheme 2023. Collection method: clinical testing. Allele origin: germline.
Comment: The p.N2348H variant (also known as c.7042A>C), located in coding exon 13 of the BRCA2 gene, results from an A to C substitution at nucleotide position 7042. The asparagine at codon 2348 is replaced by histidine, an amino acid with similar properties. In a study of whole-exome sequencing in patients with features of Cowden syndrome (CS) or Bannayan-Riley-Ruvalcaba syndrome (BRRS) and negative PTEN testing, this alteration was identified in 0/87 patients with CS or BRRS and 1/3476 patients from The Cancer Genome Atlas (TCGA) (Yehia L et al. PLoS Genet, 2018 04;14:e1007352). This amino acid position is not well conserved in available vertebrate species. In addition, this alteration is predicted to be tolerated by in silico analysis. Since supporting evidence is limited at this time, the clinical significance of this alteration remains unclear.

Quest Diagnostics Nichols Institute San Juan Capistrano
Classification: Uncertain significance. Last evaluated: 2024-06-05. Review status: criteria provided, single submitter. Criteria: Quest Diagnostics criteria. Collection method: clinical testing. Allele origin: unknown.
Comment: The BRCA2 c.7042A>C (p.Asn2348His) variant has been reported in the published literature in an individual with uterine corpus endometrial carcinoma (UCEC) (PMID: 29684080 (2018)). Additionally, it has been seen in a reportedly healthy individual who is over the age of 70 (FLOSSIES). A functional study using mouse models suggests this variant does not impact drug sensitivity or cell viability (PMID: 37922907 (2023), however further evidence is needed to assess the variant's impact on other BRCA2 related functions. The frequency of this variant in the general population, 0.000004 (1/250736 chromosomes (Genome Aggregation Database)), is uninformative in the assessment of its pathogenicity. Analysis of this variant using bioinformatics tools for the prediction of the effect of amino acid changes on protein structure and function yielded predictions that this variant is benign. Based on the available information, we are unable to determine the clinical significance of this variant.

All of Us Research Program, National Institutes of Health
Classification: Uncertain significance for Breast-ovarian cancer, familial, susceptibility to, 2. Last evaluated: 2024-02-05. Review status: criteria provided, single submitter. Criteria: ACMG Guidelines, 2015. Collection method: clinical testing. Allele origin: germline. Inheritance: Autosomal dominant inheritance. Observed: 2 variant alleles, 2 heterozygotes.
Comment: This missense variant replaces asparagine with histidine at codon 2348 of the BRCA2 protein. Computational prediction suggests that this variant may not impact protein structure and function (internally defined REVEL score threshold <= 0.5, PMID: 27666373). Functional studies have shown that this variant does not impact drug sensitivity or cell viability in mouse embryonic stem cells (PMID: 37922907). This variant has not been reported in individuals affected with BRCA2-related disorders in the literature. This variant has been identified in 1/250736 chromosomes in the general population by the Genome Aggregation Database (gnomAD). The available evidence is insufficient to determine the role of this variant in disease conclusively. Therefore, this variant is classified as a Variant of Uncertain Significance.

This study involves interpretation of variants in research participants for the purpose of population health screening. Participant phenotype was not available at the time of variant classification. Additional details can be found in publication PMID: 35346344, PMCID: PMC8962531

Color Diagnostics, LLC DBA Color Health
Classification: Uncertain significance for Hereditary cancer-predisposing syndrome. Last evaluated: 2023-11-27. Review status: criteria provided, single submitter. Criteria: ACMG Guidelines, 2015. Collection method: clinical testing. Allele origin: germline.
Comment: This missense variant replaces asparagine with histidine at codon 2348 of the BRCA2 protein. Computational prediction suggests that this variant may not impact protein structure and function (internally defined REVEL score threshold <= 0.5, PMID: 27666373). Functional studies have shown that this variant does not impact drug sensitivity or cell viability in mouse embryonic stem cells (PMID: 37922907). This variant has not been reported in individuals affected with BRCA2-related disorders in the literature. This variant has been identified in 1/250736 chromosomes in the general population by the Genome Aggregation Database (gnomAD). The available evidence is insufficient to determine the role of this variant in disease conclusively. Therefore, this variant is classified as a Variant of Uncertain Significance.

Women's Health and Genetics/Laboratory Corporation of America, LabCorp
Classification: Uncertain significance. Last evaluated: 2021-09-04. Review status: criteria provided, single submitter. Criteria: LabCorp Variant Classification Summary - May 2015. Collection method: clinical testing. Allele origin: germline.
Comment: Variant summary: BRCA2 c.7042A>C (p.Asn2348His) results in a conservative amino acid change in the encoded protein sequence. Five of five in-silico tools predict a benign effect of the variant on protein function. The variant allele was found at a frequency of 4e-06 in 250736 control chromosomes. The available data on variant occurrences in the general population are insufficient to allow any conclusion about variant significance. To our knowledge, no occurrence of c.7042A>C in individuals affected with Hereditary Breast And Ovarian Cancer Syndrome and no experimental evidence demonstrating its impact on protein function have been reported. Three clinical diagnostic laboratories have submitted clinical-significance assessments for this variant to ClinVar after 2014 without evidence for independent evaluation. All laboratories classified the variant as uncertain significance. Based on the evidence outlined above, the variant was classified as uncertain significance.

GeneDx
Classification: Uncertain significance. Last evaluated: 2016-11-18. Review status: criteria provided, single submitter. Criteria: GeneDx Variant Classification (06012015). Collection method: clinical testing. Allele origin: germline. Affected: yes.
Comment: This variant is denoted BRCA2 c.7042A>C at the cDNA level, p.Asn2348His (N2348H) at the protein level, and results in the change of an Asparagine to a Histidine (AAT>CAT). Using alternate nomenclature, this variant would be defined as BRCA2 7270A>C. This variant has not, to our knowledge, been published in the literature as pathogenic or benign. BRCA2 Asn2348His was not observed in approximately 6,500 individuals of European and African American ancestry in the NHLBI Exome Sequencing Project, suggesting it is not a common benign variant in these populations. Since Asparagine and Histidine differ in some properties, this is considered a semi-conservative amino acid substitution. BRCA2 Asn2348His occurs at a position that is not conserved and is not located in a known functional domain. In silico analyses predict that this variant is unlikely to alter protein structure or function. Based on currently available evidence, it is unclear whether BRCA2 Asn2348His is a pathogenic or benign variant. We consider it to be a variant of uncertain significance.

Literature cited by the submitters: PubMed 37922907 (cited by 4 submitters); PubMed 29684080 (cited by Ambry Genetics and Quest Diagnostics Nichols Institute San Juan Capistrano).

NM_000059.4(BRCA2):c.7042A>C (p.Asn2348His)

Gene: BRCA2 (BRCA2 DNA repair associated; plus strand). Cytogenetic location: 13q13.1.
Variant type: single nucleotide variant.
Coding change: c.7042A>C on transcript NM_000059.4 (MANE Select); coding-DNA position 7042, A replaced by C.
Protein change: p.Asn2348His; replaces asparagine 2348 with histidine.
Molecular consequence: missense variant.
Genome position (GRCh38, 1-based): chr13:32,354,895, A>C. VCF-style: chr13-32354895-A-C. GRCh37 (hg19) VCF-style: chr13-32929032-A-C.
Other names: short protein forms N2348H.
Identifiers: ClinVar variation 422755 (VCV000422755.20), dbSNP rs55742659, ClinGen allele CA6941053.